The following is an entry in ClinVar:

NM_003036.4(SKI):c.2029G>A (p.Ala677Thr)

Gene: SKI (SKI proto-oncogene; plus strand). Cytogenetic location: 1p36.32.
Variant type: single nucleotide variant.
Coding change: c.2029G>A on transcript NM_003036.4 (MANE Select); coding-DNA position 2029, G replaced by A.
Protein change: p.Ala677Thr; replaces alanine 677 with threonine.
Molecular consequence: missense variant.
Genome position (GRCh38, 1-based): chr1:2,306,607, G>A. VCF-style: chr1-2306607-G-A. GRCh37 (hg19) VCF-style: chr1-2238046-G-A.
Other names: short protein forms A677T.
Identifiers: ClinVar variation 1444272 (VCV001444272.6), dbSNP rs1254335229, ClinGen allele CA337959585.
Genomic context (GRCh38, chr1:2,306,607, plus strand): 5'-GGCGCCGCTGACCACTCGGCTCCCTTTCAGATCGAAGACCTGCAGGTGAAGCTGCAGCAC[G>A]CGGAGGCGGACCGGGAGCAGCTGCGGGCCGACCTGCTGCGGGAGCGCGAGGCCCGGGAGC-3'
Protein context (NP_003027.1, residues 667-687): IEDLQVKLQH[Ala677Thr]EADREQLRAD

ClinVar aggregate classification (germline): Uncertain significance (1 of 4 stars; one submission).

Conditions:
Shprintzen-Goldberg syndrome (SGS). Also called: SHPRINTZEN-GOLDBERG CRANIOSYNOSTOSIS SYNDROME; CRANIOSYNOSTOSIS WITH ARACHNODACTYLY AND ABDOMINAL HERNIAS; Marfanoid disorder with craniosynostosis type 1; Marfanoid craniosynostosis syndrome; Shprintzen-Goldberg marfanoid syndrome. Identifiers: Orphanet 2462, MedGen C1321551, MONDO:0008426, OMIM 182212.

Allele frequency attached by ClinVar (database versions not stated): gnomAD 0.00001; gnomAD exomes 0.00001; TOPMed 0.00001.
gnomAD v4.1: 6 of 1,544,178 alleles (0.00039%); highest among the groups gnomAD compares: Non-Finnish European, 0.00052%; no homozygotes.

Submission:

Labcorp Genetics (formerly Invitae), Labcorp
Classification: Uncertain significance for Shprintzen-Goldberg syndrome. Last evaluated: 2025-11-06. Review status: criteria provided, single submitter. Criteria: Invitae Variant Classification Sherloc (09022015). Collection method: clinical testing. Allele origin: germline.
Comment: This sequence change replaces alanine, which is neutral and non-polar, with threonine, which is neutral and polar, at codon 677 of the SKI protein (p.Ala677Thr). The frequency data for this variant in the population databases is considered unreliable, as metrics indicate poor data quality at this position in the gnomAD database. This variant has not been reported in the literature in individuals affected with SKI-related conditions. ClinVar contains an entry for this variant (Variation ID: 1444272). Invitae Evidence Modeling of protein sequence and biophysical properties (such as structural, functional, and spatial information, amino acid conservation, physicochemical variation, residue mobility, and thermodynamic stability) indicates that this missense variant is expected to disrupt SKI protein function with a positive predictive value of 95%. In summary, the available evidence is currently insufficient to determine the role of this variant in disease. Therefore, it has been classified as a Variant of Uncertain Significance.